The following is an entry in ClinVar:

NM_000156.6(GAMT):c.24dup (p.Ile9fs)

Genes: GAMT (guanidinoacetate N-methyltransferase; minus strand), LOC130062945 (ATAC-STARR-seq lymphoblastoid silent region 9707; plus strand). Cytogenetic location: 19p13.3.
Variant type: Duplication.
Coding change: c.24dup on transcript NM_000156.6 (MANE Select); coding-DNA position 24, one base duplicated (C; older notation c.24dupC).
Protein change: p.Ile9fs; shifts the reading frame from isoleucine 9.
Molecular consequence: frameshift variant.
Genome position (GRCh38, 1-based): chr19:1,401,453, G duplicated on the plus strand (C on the coding strand, the reverse complement: GAMT is on the minus strand); the first of 5 consecutive G bases (chr19:1,401,453-1,401,457); duplicating any one gives the same sequence. VCF-style (leftmost placement, unchanged base first): chr19-1401452-T-TG. GRCh37 (hg19) VCF-style: chr19-1401451-T-TG.
Other names: c.24dup, p.Ile9fs (NM_138924.3); short protein forms I9fs.
Identifiers: ClinVar variation 4817655 (VCV004817655.1).
Genomic context (GRCh38, chr19:1,401,452, plus strand): 5'-CGTCGTAGGCCGCGGGCGCCGCCCCCCACGCGGGGCTGCAGTTCTCGCCGGGCGCGAAGA[T>TG]GGGGGTCGCGCTGGGGGCGCTCATGCTGCAGGCTGGACGGCGACCCGACCTCGATCGCGC-3'

ClinVar aggregate classification (germline): Likely pathogenic (1 of 4 stars; one submission).

Conditions:
Deficiency of guanidinoacetate methyltransferase (CCDS2). Also called: CEREBRAL CREATINE DEFICIENCY SYNDROME 2; Guanidinoacetate Methyltransferase (GAMT) Deficiency; GAMT DEFICIENCY. Identifiers: Orphanet 382, MedGen C0574080, MONDO:0012999, OMIM 612736.

Submission:

Natera, Inc.
Classification: Likely pathogenic for Guanidinoacetate methyltransferase deficiency. Last evaluated: 2024-02-21. Review status: criteria provided, single submitter. Criteria: Natera Variant Classification Schema (03/2026). Collection method: clinical testing. Allele origin: germline.
Comment: The c.24dupC variant in GAMT is a frameshift variant predicted to shift the reading frame beginning at codon 9 and leads to a stop codon 76 codons downstream. This variant is expected to result in nonsense mediated decay, truncation, or a dysfunctional protein product. This variant is rare in the general population with a frequency below the threshold expected for the associated phenotype(s). Given the available evidence, this variant is classified as Likely Pathogenic.